The following is an entry in ClinVar:

NM_207122.2(EXT2):c.2093del (p.Pro698fs)

Gene: EXT2 (exostosin glycosyltransferase 2; plus strand). Cytogenetic location: 11p11.2.
Variant type: Deletion.
Coding change: c.2093del on transcript NM_207122.2 (MANE Select); coding-DNA position 2093, one base deleted (C; older notation c.2093delC).
Protein change: p.Pro698fs; shifts the reading frame from proline 698.
Molecular consequence: frameshift variant.
Genome position (GRCh38, 1-based): chr11:44,244,223, C deleted; the last of 3 consecutive C bases (chr11:44,244,221-44,244,223); deleting any one gives the same sequence. VCF-style (leftmost placement, unchanged base first): chr11-44244220-AC-A. GRCh37 (hg19) VCF-style: chr11-44265770-AC-A.
Other names: c.2192del, p.Pro731fs (NM_000401.3); c.2123del, p.Pro708fs (NM_001178083.3); c.2093del, p.Pro698fs (NM_001389628.1, NM_001389630.1); short protein forms P698fs, P708fs, P731fs.
Identifiers: ClinVar variation 4710873 (VCV004710873.1).

ClinVar aggregate classification (germline): Uncertain significance (1 of 4 stars; one submission).

Conditions:
Exostoses, multiple, type 2 (EXT2). Also called: Hereditary Multiple Osteochondromatosis, Type II; EXOSTOSES, MULTIPLE, TYPE II. Identifiers: Orphanet 321, MedGen C1851413, MONDO:0007586, OMIM 133701.

Submission:

Labcorp Genetics (formerly Invitae), Labcorp
Classification: Uncertain significance for Exostoses, multiple, type 2. Last evaluated: 2025-10-21. Review status: criteria provided, single submitter. Criteria: Invitae Variant Classification Sherloc (09022015). Collection method: clinical testing. Allele origin: germline.
Comment: This sequence change creates a premature translational stop signal (p.Pro698Leufs*12) in the EXT2 gene. While this is not anticipated to result in nonsense mediated decay, it is expected to disrupt the last 21 amino acid(s) of the EXT2 protein. This variant is not present in population databases (gnomAD no frequency). This variant has not been reported in the literature in individuals affected with EXT2-related conditions. Experimental studies and prediction algorithms are not available or were not evaluated, and the functional significance of this variant is currently unknown. In summary, the available evidence is currently insufficient to determine the role of this variant in disease. Therefore, it has been classified as a Variant of Uncertain Significance.